The following is an entry in ClinVar:

ClinVar aggregate classification (germline): Uncertain significance (1 of 4 stars; one submission).

Submission:

Labcorp Genetics (formerly Invitae), Labcorp
Classification: Uncertain significance. Last evaluated: 2025-01-20. Review status: criteria provided, single submitter. Criteria: Invitae Variant Classification Sherloc (09022015). Collection method: clinical testing. Allele origin: germline.
Comment: This sequence change replaces methionine, which is neutral and non-polar, with valine, which is neutral and non-polar, at codon 351 of the MCM4 protein (p.Met351Val). This variant is not present in population databases (gnomAD no frequency). This variant has not been reported in the literature in individuals affected with MCM4-related conditions. ClinVar contains an entry for this variant (Variation ID: 2041674). An algorithm developed to predict the effect of missense changes on protein structure and function (PolyPhen-2) suggests that this variant is likely to be tolerated. Algorithms developed to predict the effect of sequence changes on RNA splicing suggest that this variant may disrupt the consensus splice site. In summary, the available evidence is currently insufficient to determine the role of this variant in disease. Therefore, it has been classified as a Variant of Uncertain Significance.

NM_182746.3(MCM4):c.1051A>G (p.Met351Val)

Gene: MCM4 (minichromosome maintenance complex component 4; plus strand). Cytogenetic location: 8q11.21.
Variant type: single nucleotide variant.
Coding change: c.1051A>G on transcript NM_182746.3 (MANE Select); coding-DNA position 1051, A replaced by G.
Protein change: p.Met351Val; replaces methionine 351 with valine.
Molecular consequence: missense variant.
Genome position (GRCh38, 1-based): chr8:47,966,405, A>G. VCF-style: chr8-47966405-A-G. GRCh37 (hg19) VCF-style: chr8-48878965-A-G.
Other names: c.1051A>G, p.Met351Val (NM_005914.4); short protein forms M351V.
Identifiers: ClinVar variation 2041674 (VCV002041674.4), dbSNP rs2551884042, ClinGen allele CA371149706.